The following is an entry in ClinVar:

NM_004415.4(DSP):c.5840_5841dup (p.Gly1948fs)

Gene: DSP (desmoplakin; plus strand). Cytogenetic location: 6p24.3.
Variant type: Microsatellite.
Coding change: c.5840_5841dup on transcript NM_004415.4 (MANE Select); coding-DNA positions 5840 to 5841, 2 bases duplicated (AT; older notation c.5840_5841dupAT).
Protein change: p.Gly1948fs; shifts the reading frame from glycine 1948.
Molecular consequence: frameshift variant.
Genome position (GRCh38, 1-based): chr6:7,583,102-7,583,103, AT duplicated; duplicating any 2 consecutive bases within chr6:7,583,100-7,583,103 gives the same sequence; the c. name uses the placement nearest the transcript's 3' end. VCF-style (leftmost placement, unchanged base first): chr6-7583099-C-CAT. GRCh37 (hg19) VCF-style: chr6-7583332-C-CAT.
Other names: c.4043_4044dup, p.Gly1349fs (NM_001008844.3); c.4511_4512dup, p.Gly1505fs (NM_001319034.2); short protein forms G1349fs, G1505fs, G1948fs.
Identifiers: ClinVar variation 2574083 (VCV002574083.1), dbSNP rs777955503, ClinGen allele CA133972518.
Genomic context (GRCh38, chr6:7,583,099, plus strand): 5'-CACAGTTAGAAACAGAACGCTCCCGATATCAGAGGGAGATTGATAAACTCAGACAGCGCC[C>CAT]ATATGGGTCCCATCGAGAGACCCAGACTGAGTGTGAGTGGACCGTTGACACCTCCAAGCT-3'

ClinVar aggregate classification (germline): Likely pathogenic (0 of 4 stars; one submission).

Conditions:
Arrhythmogenic right ventricular dysplasia 8 (ARVD8). Also called: ARRHYTHMOGENIC RIGHT VENTRICULAR DYSPLASIA, FAMILIAL, 8; ARRHYTHMOGENIC RIGHT VENTRICULAR CARDIOMYOPATHY 8; Arrhythmogenic Right Ventricular Dysplasia/Cardiomyopathy 8. Identifiers: MedGen C1843896, MONDO:0011831, OMIM 607450.

Submission:

deCODE genetics, Amgen
Classification: Likely pathogenic for Arrhythmogenic right ventricular dysplasia 8. Last evaluated: 2023-07-21. Review status: no assertion criteria provided. Collection method: research. Allele origin: germline. Affected: yes. Observed: 19 variant alleles.
Comment: The variant NM_004415.4:c.5840_5841dup (chr6:7583099) in DSP was detected in 10 heterozygotes out of 58K WGS Icelanders (MAF= 0,009%). This variant has not been reported in ClinVar previously. Based on ACMG criteria (PVS1, PM2) this variant classifies as likely pathogenic.